The following is an entry in ClinVar:

ClinVar aggregate classification (germline): Pathogenic (1 of 4 stars; one submission).

Conditions:
Inborn genetic diseases. Identifiers: MedGen C0950123, MeSH D030342.

Submission:

Ambry Genetics
Classification: Pathogenic for Inborn genetic diseases. Last evaluated: 2025-10-16. Review status: criteria provided, single submitter. Criteria: Ambry Variant Classification Scheme 2023. Collection method: clinical testing. Allele origin: germline.
Comment: The c.3835dupA (p.M1279Nfs*7) alteration, located in exon 23 (coding exon 23) of the CHD3 gene, consists of a duplication of A at position 3835, causing a translational frameshift with a predicted alternate stop codon after 7 amino acids. This alteration is expected to result in loss of function by premature protein truncation or nonsense-mediated mRNA decay. This variant was not reported in population-based cohorts in the Genome Aggregation Database (gnomAD). Based on the available evidence, this alteration is classified as pathogenic.

NM_001005273.3(CHD3):c.3658dup (p.Met1220fs)

Gene: CHD3 (chromodomain helicase DNA binding protein 3; plus strand). Cytogenetic location: 17p13.1.
Variant type: Duplication.
Coding change: c.3658dup on transcript NM_001005273.3 (MANE Select); coding-DNA position 3658, one base duplicated (A; older notation c.3658dupA).
Protein change: p.Met1220fs; shifts the reading frame from methionine 1220.
Molecular consequence: frameshift variant.
Genome position (GRCh38, 1-based): chr17:7,903,434, A duplicated. VCF-style (leftmost placement, unchanged base first): chr17-7903433-C-CA. GRCh37 (hg19) VCF-style: chr17-7806751-C-CA.
Other names: c.3835dup, p.Met1279fs (NM_001005271.3, NM_001437504.1); c.3823dup, p.Met1275fs (NM_001437507.1, NM_001437508.1, NM_001437509.1); c.3658dup, p.Met1220fs (NM_005852.4); short protein forms M1220fs, M1275fs, M1279fs.
Identifiers: ClinVar variation 4614508 (VCV004614508.1).
Genomic context (GRCh38, chr17:7,903,433, plus strand): 5'-GAGAAAGATGATGCTGACACACCTGGTTGTGCGGCCTGGGCTGGGCTCCAAGGCAGGCTC[C>CA]ATGTCCAAGCAGGAGCTTGACGACATTCTCAAATTTGGCACTGAAGAGCTATTCAAGGAT-3'